The following is an entry in ClinVar:

ClinVar aggregate classification (germline): Uncertain significance. Review status: criteria provided, multiple submitters, no conflicts (2 of 4 stars). 2 submissions from 2 submitters: Uncertain significance (2). Last evaluated 2025-07-17.

Conditions:
Hereditary cancer-predisposing syndrome. Also called: Hereditary Cancer Syndrome; Neoplastic Syndromes, Hereditary; Hereditary neoplastic syndrome; Tumor predisposition. Identifiers: Orphanet 140162, MedGen C0027672, MeSH D009386, MONDO:0015356.
Familial adenomatous polyposis 1 (FAP1). Also called: FAMILIAL ADENOMATOUS POLYPOSIS 1, ATTENUATED; POLYPOSIS, ADENOMATOUS INTESTINAL. Identifiers: MedGen C2713442, MONDO:0021056, OMIM 175100. Disease mechanism: loss of function.

gnomAD v4.1: 4 of 1,614,210 alleles (0.00025%); highest among the groups gnomAD compares: East Asian, 0.0089%; no homozygotes.

Submissions (2):

Labcorp Genetics (formerly Invitae), Labcorp
Classification: Uncertain significance for Familial adenomatous polyposis 1. Last evaluated: 2025-07-17. Review status: criteria provided, single submitter. Criteria: Invitae Variant Classification Sherloc (09022015). Collection method: clinical testing. Allele origin: germline.
Comment: This sequence change replaces serine, which is neutral and polar, with tyrosine, which is neutral and polar, at codon 835 of the APC protein (p.Ser835Tyr). This variant is not present in population databases (gnomAD no frequency). This variant has not been reported in the literature in individuals affected with APC-related conditions. ClinVar contains an entry for this variant (Variation ID: 428103). Invitae Evidence Modeling of protein sequence and biophysical properties (such as structural, functional, and spatial information, amino acid conservation, physicochemical variation, residue mobility, and thermodynamic stability) indicates that this missense variant is not expected to disrupt APC protein function with a negative predictive value of 95%. In summary, the available evidence is currently insufficient to determine the role of this variant in disease. Therefore, it has been classified as a Variant of Uncertain Significance.

Ambry Genetics
Classification: Uncertain significance for Hereditary cancer-predisposing syndrome. Last evaluated: 2024-02-28. Review status: criteria provided, single submitter. Criteria: Ambry Variant Classification Scheme 2023. Collection method: clinical testing. Allele origin: germline.
Comment: The p.S835Y variant (also known as c.2504C>A), located in coding exon 15 of the APC gene, results from a C to A substitution at nucleotide position 2504. The serine at codon 835 is replaced by tyrosine, an amino acid with dissimilar properties. This amino acid position is highly conserved in available vertebrate species. In addition, in silico predictors for this gene do not accurately predict pathogenicity. Based on the available evidence, the clinical significance of this alteration remains unclear.

NM_000038.6(APC):c.2504C>A (p.Ser835Tyr)

Gene: APC (APC regulator of Wnt signaling pathway; plus strand). Cytogenetic location: 5q22.2.
Variant type: single nucleotide variant.
Coding change: c.2504C>A on transcript NM_000038.6 (MANE Select); coding-DNA position 2504, C replaced by A.
Protein change: p.Ser835Tyr; replaces serine 835 with tyrosine.
Molecular consequence: missense variant.
Genome position (GRCh38, 1-based): chr5:112,838,098, C>A. VCF-style: chr5-112838098-C-A. GRCh37 (hg19) VCF-style: chr5-112173795-C-A.
Other names: c.2504C>A, p.Ser835Tyr (NM_001127510.3, NM_001354895.2); c.2450C>A, p.Ser817Tyr (NM_001127511.3); c.2558C>A, p.Ser853Tyr (NM_001354896.2); c.2534C>A, p.Ser845Tyr (NM_001354897.2); c.2429C>A, p.Ser810Tyr (NM_001354898.2); c.2420C>A, p.Ser807Tyr (NM_001354899.2); c.2381C>A, p.Ser794Tyr (NM_001354900.2); c.2327C>A, p.Ser776Tyr (NM_001354901.2); and 5 more; short protein forms S817Y, S835Y, S709Y, S734Y, S794Y, S675Y, S552Y, S810Y.
Identifiers: ClinVar variation 428103 (VCV000428103.52), dbSNP rs773796815, ClinGen allele CA16026822.